The following is an entry in ClinVar:

NM_001317950.2(AKNA):c.3158C>T (p.Ala1053Val)

Gene: AKNA (AT-hook transcription factor; minus strand). Cytogenetic location: 9q32.
Variant type: single nucleotide variant.
Coding change: c.3158C>T on transcript NM_001317950.2 (MANE Select); coding-DNA position 3158, C replaced by T.
Protein change: p.Ala1053Val; replaces alanine 1053 with valine.
Molecular consequence: missense variant.
Genome position (GRCh38, 1-based): chr9:114,350,922, G>A on the plus strand (C>T on the coding strand, the complement: AKNA is on the minus strand). VCF-style: chr9-114350922-G-A. GRCh37 (hg19) VCF-style: chr9-117113202-G-A.
Other names: c.3158C>T (NM_030767.4); c.2801C>T, p.Ala934Val (NM_001317952.1); c.3158C>T, p.Ala1053Val (NM_030767.5); short protein forms A1053V, A934V.
Identifiers: ClinVar variation 2659444 (VCV002659444.25), dbSNP rs750708829, ClinGen allele CA5204596.

ClinVar aggregate classification (germline): Uncertain significance. Review status: criteria provided, multiple submitters, no conflicts (2 of 4 stars). 2 submissions from 2 submitters: Uncertain significance (2). Last evaluated 2025-01-17.

Allele frequency attached by ClinVar (database versions not stated): ExAC 0.00001; gnomAD 0.00001; TOPMed 0.00001.
gnomAD v4.1: 23 of 1,610,270 alleles (0.0014%); highest among the groups gnomAD compares: East Asian, 0.0045%; no homozygotes.

Submissions (2):

Ambry Genetics
Classification: Uncertain significance. Last evaluated: 2025-01-17. Review status: criteria provided, single submitter. Criteria: Ambry Variant Classification Scheme 2023. Collection method: clinical testing. Allele origin: germline.

CeGaT Center for Human Genetics Tuebingen
Classification: Uncertain significance. Last evaluated: 2023-05-01. Review status: criteria provided, single submitter. Criteria: CeGaT Center For Human Genetics Tuebingen Variant Classification Criteria Version 2. Collection method: clinical testing. Allele origin: germline. Affected: yes. Observed: 1 variant allele.
Comment: AKNA: PM2, BP4